The following is an entry in ClinVar:

ClinVar aggregate classification (germline): Conflicting classifications of pathogenicity. Review status: criteria provided, conflicting classifications (1 of 4 stars). 4 submissions from 4 submitters: Uncertain significance (3); Likely benign (1). Last evaluated 2025-08-08.

Conditions:
Familial cancer of breast. Also called: BREAST CANCER, FAMILIAL; Hereditary breast cancer; hereditary breast carcinoma. Identifiers: Orphanet 227535, MedGen C0346153, MONDO:0016419, OMIM 114480. Disease mechanism: loss of function.
Hereditary cancer-predisposing syndrome. Also called: Neoplastic Syndromes, Hereditary; Tumor predisposition; Hereditary Cancer Syndrome; Hereditary neoplastic syndrome. Identifiers: Orphanet 140162, MedGen C0027672, MeSH D009386, MONDO:0015356.

Allele frequency attached by ClinVar (database versions not stated): gnomAD exomes 0.00001.

Submissions (4):

Color Diagnostics, LLC DBA Color Health
Classification: Likely benign for Hereditary cancer-predisposing syndrome. Last evaluated: 2025-08-08. Review status: criteria provided, single submitter. Criteria: ACMG Guidelines, 2015. Collection method: clinical testing. Allele origin: germline.

Labcorp Genetics (formerly Invitae), Labcorp
Classification: Uncertain significance for Familial cancer of breast. Last evaluated: 2025-06-11. Review status: criteria provided, single submitter. Criteria: Invitae Variant Classification Sherloc (09022015). Collection method: clinical testing. Allele origin: germline.
Comment: This sequence change replaces glutamine, which is neutral and polar, with lysine, which is basic and polar, at codon 206 of the BARD1 protein (p.Gln206Lys). This variant is not present in population databases (gnomAD no frequency). This missense change has been observed in individual(s) with breast cancer (PMID: 31465090). ClinVar contains an entry for this variant (Variation ID: 482827). An algorithm developed to predict the effect of missense changes on protein structure and function outputs the following: PolyPhen-2: "Benign". The lysine amino acid residue is found in multiple mammalian species, which suggests that this missense change does not adversely affect protein function. In summary, the available evidence is currently insufficient to determine the role of this variant in disease. Therefore, it has been classified as a Variant of Uncertain Significance.

Ambry Genetics
Classification: Uncertain significance for Hereditary cancer-predisposing syndrome. Last evaluated: 2023-03-28. Review status: criteria provided, single submitter. Criteria: Ambry Variant Classification Scheme 2023. Collection method: clinical testing. Allele origin: germline.
Comment: The p.Q206K variant (also known as c.616C>A), located in coding exon 4 of the BARD1 gene, results from a C to A substitution at nucleotide position 616. The glutamine at codon 206 is replaced by lysine, an amino acid with similar properties. This amino acid position is not well conserved in available vertebrate species. In addition, this alteration is predicted to be tolerated by in silico analysis. Since supporting evidence is limited at this time, the clinical significance of this alteration remains unclear.

GeneDx
Classification: Uncertain significance. Last evaluated: 2019-05-13. Review status: criteria provided, single submitter. Criteria: GeneDx Variant Classification Process June 2021. Collection method: clinical testing. Allele origin: germline. Affected: yes.
Comment: Not observed at a significant frequency in large population cohorts (Lek et al., 2016); Has not been previously published as pathogenic or benign to our knowledge; This variant is associated with the following publications: (PMID: 31465090)

Literature cited by the submitters: PubMed 31465090 (cited by Labcorp Genetics (formerly Invitae), Labcorp).

NM_000465.4(BARD1):c.616C>A (p.Gln206Lys)

Gene: BARD1 (BRCA1 associated RING domain 1; minus strand). Cytogenetic location: 2q35.
Variant type: single nucleotide variant.
Coding change: c.616C>A on transcript NM_000465.4 (MANE Select); coding-DNA position 616, C replaced by A.
Protein change: p.Gln206Lys; replaces glutamine 206 with lysine.
Molecular consequence: missense variant. On other transcripts: non-coding transcript variant (2), intron variant (3).
Genome position (GRCh38, 1-based): chr2:214,781,258, G>T on the plus strand (C>A on the coding strand, the complement: BARD1 is on the minus strand). VCF-style: chr2-214781258-G-T. GRCh37 (hg19) VCF-style: chr2-215645982-G-T.
Other names: c.559C>A, p.Gln187Lys (NM_001282543.2); c.158+28154C>A (NM_001282548.2); c.215+15803C>A (NM_001282545.2); c.364+11039C>A (NM_001282549.2); short protein forms Q206K, Q187K.
Identifiers: ClinVar variation 482827 (VCV000482827.21), dbSNP rs1453894904, ClinGen allele CA350456690.